The following is an entry in ClinVar:

ClinVar aggregate classification (germline): Uncertain significance (1 of 4 stars; one submission).

Submission:

Women's Health and Genetics/Laboratory Corporation of America, LabCorp
Classification: Uncertain significance. Last evaluated: 2025-05-13. Review status: criteria provided, single submitter. Criteria: LabCorp Variant Classification Summary - May 2015. Collection method: clinical testing. Allele origin: germline.
Comment: Variant summary: CFTR c.2686A>G (p.Thr896Ala) results in a non-conservative amino acid change located in the transmembrane domain (IPR011527) of the encoded protein sequence. Algorithms developed to predict the effect of missense changes on protein structure and function are either unavailable or do not agree on the potential impact of this missense change. The variant was absent in 251262 control chromosomes. The available data on variant occurrences in the general population are insufficient to allow any conclusion about variant significance. To our knowledge, no occurrence of c.2686A>G in individuals affected with Cystic Fibrosis and no experimental evidence demonstrating its impact on protein function have been reported. No submitters have cited clinical-significance assessments for this variant to ClinVar. Based on the evidence outlined above, the variant was classified as uncertain significance.

NM_000492.4(CFTR):c.2686A>G (p.Thr896Ala)

Gene: CFTR (CF transmembrane conductance regulator; plus strand). Cytogenetic location: 7q31.2.
Variant type: single nucleotide variant.
Coding change: c.2686A>G on transcript NM_000492.4 (MANE Select); coding-DNA position 2686, A replaced by G.
Protein change: p.Thr896Ala; replaces threonine 896 with alanine.
Molecular consequence: missense variant.
Genome position (GRCh38, 1-based): chr7:117,603,560, A>G. VCF-style: chr7-117603560-A-G. GRCh37 (hg19) VCF-style: chr7-117243614-A-G.
Other names: short protein forms T896A.
Identifiers: ClinVar variation 3902254 (VCV003902254.1).